The following is an entry in ClinVar:

ClinVar aggregate classification (germline): Uncertain significance. Review status: criteria provided, multiple submitters, no conflicts (2 of 4 stars). 5 submissions from 5 submitters: Uncertain significance (5). Last evaluated 2023-07-19.

Conditions:
Arrhythmogenic right ventricular dysplasia 10. Also called: Arrhythmogenic right ventricular dysplasia/cardiomyopathy, type 10; Arrhythmogenic Right Ventricular Dysplasia/Cardiomyopathy10; ARRHYTHMOGENIC RIGHT VENTRICULAR DYSPLASIA, FAMILIAL, 10. Identifiers: MedGen C1857777, MONDO:0012434, OMIM 610193.
Dilated cardiomyopathy 1BB (CMD1BB). Also called: CARDIOMYOPATHY, DILATED, 1BB, SUSCEPTIBILITY TO. Identifiers: Orphanet 154, MedGen C2752072, MONDO:0013030, OMIM 612877.
Arrhythmogenic right ventricular cardiomyopathy (ARVD). Also called: Arrhythmogenic cardiomyopathy; Arrhythmogenic Right Ventricular Cardiomyopathy (ARVC); Cardiomyopathy, ARVC; Arrhythmogenic right ventricular dysplasia. Identifiers: Orphanet 247, MedGen C0349788, MeSH D019571, MONDO:0016587. Disease mechanism: loss of function. Inheritance: Various modes of inheritance.
Cardiomyopathy (CMYO). Also called: Cardiomyopathies. Identifiers: Orphanet 167848, MedGen C0878544, MONDO:0004994, HP:0001638. Inheritance: Various modes of inheritance.

Submissions (5):

All of Us Research Program, National Institutes of Health
Classification: Uncertain significance for Arrhythmogenic right ventricular cardiomyopathy. Last evaluated: 2023-07-19. Review status: criteria provided, single submitter. Criteria: ACMG Guidelines, 2015. Collection method: clinical testing. Allele origin: germline. Inheritance: Autosomal dominant inheritance. Observed: 2 variant alleles, 2 heterozygotes.
Comment: Variant of Uncertain Significance due to insufficient evidence: This missense variant is located in the extracellular cadherin domain 4 of the DSG2 protein. Computational prediction tools and conservation analyses are inconclusive regarding the impact of this variant on the protein function. Computational splicing tools suggest that this variant may not impact RNA splicing. To our knowledge, functional assays have not been performed for this variant nor has this variant been reported in individuals affected with cardiovascular disorders in the literature. This variant is rare in the general population and has been identified in 0/277264 chromosomes by the Genome Aggregation Database (gnomAD). Available evidence is insufficient to determine the pathogenicity of this variant conclusively.

This study involves interpretation of variants in research participants for the purpose of population health screening. Participant phenotype was not available at the time of variant classification. Additional details can be found in publication PMID: 35346344, PMCID: PMC8962531

Color Diagnostics, LLC DBA Color Health
Classification: Uncertain significance for Cardiomyopathy. Last evaluated: 2023-07-06. Review status: criteria provided, single submitter. Criteria: ACMG Guidelines, 2015. Collection method: clinical testing. Allele origin: germline.
Comment: This missense variant replaces isoleucine with threonine at codon 487 of the DSG2 protein. Computational prediction is inconclusive regarding the impact of this variant on protein structure and function (internally defined REVEL score threshold 0.5 < inconclusive < 0.7, PMID: 27666373). To our knowledge, functional studies have not been reported for this variant. This variant has not been reported in individuals affected with DSG2-related disorders in the literature. This variant has not been identified in the general population by the Genome Aggregation Database (gnomAD). The available evidence is insufficient to determine the role of this variant in disease conclusively. Therefore, this variant is classified as a Variant of Uncertain Significance.

Labcorp Genetics (formerly Invitae), Labcorp
Classification: Uncertain significance for Arrhythmogenic right ventricular dysplasia 10. Last evaluated: 2023-02-18. Review status: criteria provided, single submitter. Criteria: Invitae Variant Classification Sherloc (09022015). Collection method: clinical testing. Allele origin: germline.
Comment: In summary, the available evidence is currently insufficient to determine the role of this variant in disease. Therefore, it has been classified as a Variant of Uncertain Significance. Advanced modeling of protein sequence and biophysical properties (such as structural, functional, and spatial information, amino acid conservation, physicochemical variation, residue mobility, and thermodynamic stability) performed at Invitae indicates that this missense variant is not expected to disrupt DSG2 protein function. ClinVar contains an entry for this variant (Variation ID: 191631). This variant has not been reported in the literature in individuals affected with DSG2-related conditions. This variant is not present in population databases (gnomAD no frequency). This sequence change replaces isoleucine, which is neutral and non-polar, with threonine, which is neutral and polar, at codon 487 of the DSG2 protein (p.Ile487Thr).

Fulgent Genetics
Classification: Uncertain significance for Arrhythmogenic right ventricular dysplasia 10; Dilated cardiomyopathy 1BB. Last evaluated: 2021-09-03. Review status: criteria provided, single submitter. Criteria: ACMG Guidelines, 2015. Collection method: clinical testing. Allele origin: unknown.

Biesecker Lab/Clinical Genomics Section, National Institutes of Health
Classification: Uncertain significance. Last evaluated: 2013-06-24. Review status: criteria provided, single submitter. Criteria: Ng et al. (Circ Cardiovasc Genet. 2013). Collection method: research. Allele origin: unknown. Observed: 1 variant allele. Study: ClinSeq.
Comment: The study set was not selected for affection status in relation to any cancer. Pathogenicity categories were based on literature curation. See Pubmed ID:23861362 for details.

Medical sequencing

NM_001943.5(DSG2):c.1460T>C (p.Ile487Thr)

Gene: DSG2 (desmoglein 2; plus strand). Cytogenetic location: 18q12.1.
Variant type: single nucleotide variant.
Coding change: c.1460T>C on transcript NM_001943.5 (MANE Select); coding-DNA position 1460, T replaced by C.
Protein change: p.Ile487Thr; replaces isoleucine 487 with threonine.
Molecular consequence: missense variant.
Genome position (GRCh38, 1-based): chr18:31,536,238, T>C. VCF-style: chr18-31536238-T-C. GRCh37 (hg19) VCF-style: chr18-29116201-T-C.
Other names: c.1460T>C (LRG_397t1); short protein forms I487T.
Identifiers: ClinVar variation 191631 (VCV000191631.10), dbSNP rs776525113, ClinGen allele CA021380.
Genomic context (GRCh38, chr18:31,536,238, plus strand): 5'-TACTTTTTCTCTCTTATTTTTAAGATTATCCTAGAAAAACCATCACTGGCACAGTCCTTA[T>C]CAATGTTGAAGACATCAACGACAACTGTCCCACACTGATAGAGCCTGTGCAGACAATCTG-3'
Protein context (NP_001934.2, residues 477-497): PRKTITGTVL[Ile487Thr]NVEDINDNCP